The following is an entry in ClinVar:

ClinVar aggregate classification (germline): Uncertain significance. Review status: criteria provided, multiple submitters, no conflicts (2 of 4 stars). 3 submissions from 3 submitters: Uncertain significance (3). Last evaluated 2026-01-28.

Conditions:
Hereditary nonpolyposis colorectal neoplasms. Identifiers: MedGen C0009405, MeSH D003123.
Hereditary cancer-predisposing syndrome. Also called: Tumor predisposition; Hereditary neoplastic syndrome; Hereditary Cancer Syndrome; Neoplastic Syndromes, Hereditary. Identifiers: Orphanet 140162, MedGen C0027672, MeSH D009386, MONDO:0015356.

Allele frequency attached by ClinVar (database versions not stated): gnomAD 0.00001; 1000 Genomes Project 0.00020; 1000 Genomes Project 30x 0.00031.

Submissions (3):

Catlab - Consorci Sanitari de Terrassa
Classification: Uncertain significance for Hereditary cancer-predisposing syndrome. Last evaluated: 2026-01-28. Review status: criteria provided, single submitter. Criteria: ClinGen CRC ACMG Specifications MSH6 V1.0.0. Collection method: clinical testing. Allele origin: germline.
Comment: Based on the currently available information, this variant is classified as Uncertain Significance according to ClinGen-MSH6 v1.0.0 guidelines. ACMG criteria: PM2_supp, BP4.

Labcorp Genetics (formerly Invitae), Labcorp
Classification: Uncertain significance for Hereditary nonpolyposis colorectal neoplasms. Last evaluated: 2024-12-22. Review status: criteria provided, single submitter. Criteria: Invitae Variant Classification Sherloc (09022015). Collection method: clinical testing. Allele origin: germline.
Comment: This sequence change replaces glutamic acid, which is acidic and polar, with glycine, which is neutral and non-polar, at codon 796 of the MSH6 protein (p.Glu796Gly). This variant is not present in population databases (gnomAD no frequency). This variant has not been reported in the literature in individuals affected with MSH6-related conditions. ClinVar contains an entry for this variant (Variation ID: 220194). Invitae Evidence Modeling of protein sequence and biophysical properties (such as structural, functional, and spatial information, amino acid conservation, physicochemical variation, residue mobility, and thermodynamic stability) indicates that this missense variant is not expected to disrupt MSH6 protein function with a negative predictive value of 95%. In summary, the available evidence is currently insufficient to determine the role of this variant in disease. Therefore, it has been classified as a Variant of Uncertain Significance.

Ambry Genetics
Classification: Uncertain significance for Hereditary cancer-predisposing syndrome. Last evaluated: 2024-01-11. Review status: criteria provided, single submitter. Criteria: Ambry Variant Classification Scheme 2023. Collection method: clinical testing. Allele origin: germline.
Comment: The p.E796G variant (also known as c.2387A>G), located in coding exon 4 of the MSH6 gene, results from an A to G substitution at nucleotide position 2387. The glutamic acid at codon 796 is replaced by glycine, an amino acid with similar properties. This amino acid position is highly conserved in available vertebrate species. In addition, this alteration is predicted to be deleterious by in silico analysis. Since supporting evidence is limited at this time, the clinical significance of this alteration remains unclear.

NM_000179.3(MSH6):c.2387A>G (p.Glu796Gly)

Gene: MSH6 (mutS homolog 6; plus strand). Cytogenetic location: 2p16.3.
Variant type: single nucleotide variant.
Coding change: c.2387A>G on transcript NM_000179.3 (MANE Select); coding-DNA position 2387, A replaced by G.
Protein change: p.Glu796Gly; replaces glutamic acid 796 with glycine.
Molecular consequence: missense variant.
Genome position (GRCh38, 1-based): chr2:47,800,370, A>G. VCF-style: chr2-47800370-A-G. GRCh37 (hg19) VCF-style: chr2-48027509-A-G.
Other names: c.1997A>G, p.Glu666Gly (NM_001281492.2); c.1481A>G, p.Glu494Gly (NM_001281493.2, NM_001281494.2); short protein forms E796G, E494G, E666G.
Identifiers: ClinVar variation 220194 (VCV000220194.14), dbSNP rs532445704, ClinGen allele CA348342.
Genomic context (GRCh38, chr2:47,800,370, plus strand): 5'-AATGGCTTTGTGCCCCACTCTGTAACCATTATGCTATTAATGATCGTCTAGATGCCATAG[A>G]AGACCTCATGGTTGTGCCTGACAAAATCTCCGAAGTTGTAGAGCTTCTAAAGAAGCTTCC-3'
Protein context (NP_000170.1, residues 786-806): YAINDRLDAI[Glu796Gly]DLMVVPDKIS